The following is an entry in ClinVar:

ClinVar aggregate classification (germline): Likely benign (0 of 4 stars; one submission).

Conditions:
PKP1-related disorder. Also called: PKP1-related condition.

gnomAD v4.1: 18 of 1,613,924 alleles (0.0011%); highest among the groups gnomAD compares: African/African-American, 0.019%; no homozygotes.

Submission:

PreventionGenetics, part of Exact Sciences
Classification: Likely benign for PKP1-related condition. Last evaluated: 2019-09-17. Review status: no assertion criteria provided. Collection method: clinical testing. Allele origin: germline.
Comment: This variant is classified as likely benign based on ACMG/AMP sequence variant interpretation guidelines (Richards et al. 2015 PMID: 25741868, with internal and published modifications).

NM_001005337.3(PKP1):c.1779C>T (p.Ser593=)

Gene: PKP1 (plakophilin 1; plus strand). Cytogenetic location: 1q32.1.
Variant type: single nucleotide variant.
Coding change: c.1779C>T on transcript NM_001005337.3 (MANE Select); coding-DNA position 1779, C replaced by T.
Protein change: p.Ser593=; no amino-acid change (serine 593 retained).
Molecular consequence: synonymous variant.
Genome position (GRCh38, 1-based): chr1:201,324,526, C>T. VCF-style: chr1-201324526-C-T. GRCh37 (hg19) VCF-style: chr1-201293654-C-T.
Other names: c.1842C>T, p.Ser614= (NM_000299.4).
Identifiers: ClinVar variation 3354741 (VCV003354741.1).